The following is an entry in ClinVar:

ClinVar aggregate classification (germline): Pathogenic (1 of 4 stars; one submission).

Conditions:
Developmental and epileptic encephalopathy 99. Identifiers: MedGen C5562018, MONDO:0030473, OMIM 619606.

Submission:

Institute of Human Genetics, University of Leipzig Medical Center
Classification: Pathogenic for Developmental and epileptic encephalopathy 99. Last evaluated: 2025-06-19. Review status: criteria provided, single submitter. Criteria: ACMG Guidelines, 2015. Collection method: clinical testing. Allele origin: de novo. Inheritance: Autosomal dominant inheritance. Affected: yes.
Comment: Criteria applied: PVS1,PS2_MOD,PM2

NM_152296.5(ATP1A3):c.2820-222_*2324del

Gene: ATP1A3 (ATPase Na+/K+ transporting subunit alpha 3; minus strand). Cytogenetic location: 19q13.2.
Variant type: Deletion.
Coding change: c.2820-222_*2324del on transcript NM_152296.5 (MANE Select); 222 bases into the intron before coding-DNA position 2820 through 2324 bases downstream of the stop codon, 3,373 bases deleted.
Molecular consequence: splice acceptor variant, splice donor variant.
Genome position (GRCh38, 1-based): chr19:41,964,613-41,967,985, 3,373 bases deleted. GRCh37 (hg19): chr19:42,468,766-42,472,138.
Identifiers: ClinVar variation 4056340 (VCV004056340.1).